The following is an entry in ClinVar:

NM_001558.4(IL10RA):c.784C>T (p.Arg262Cys)

Gene: IL10RA (interleukin 10 receptor subunit alpha; plus strand). Cytogenetic location: 11q23.3.
Variant type: single nucleotide variant.
Coding change: c.784C>T on transcript NM_001558.4 (MANE Select); coding-DNA position 784, C replaced by T.
Protein change: p.Arg262Cys; replaces arginine 262 with cysteine.
Molecular consequence: missense variant. On other transcripts: non-coding transcript variant (1).
Genome position (GRCh38, 1-based): chr11:117,995,684, C>T. VCF-style: chr11-117995684-C-T. GRCh37 (hg19) VCF-style: chr11-117866399-C-T.
Other names: short protein forms R262C.
Identifiers: ClinVar variation 39430 (VCV000039430.9), dbSNP rs149491038, ClinGen allele CA130284.

ClinVar aggregate classification (germline): Pathogenic. Review status: criteria provided, single submitter (1 of 4 stars). 2 submissions from 2 submitters: Pathogenic (1). 1 of the submissions does not count toward it. Last evaluated 2026-01-25.

Conditions:
Inflammatory bowel disease 28. Also called: Inflammatory bowel disease 28, early onset, autosomal recessive. Identifiers: Orphanet 238569, MedGen C2751053, MONDO:0013153, OMIM 613148.

Allele frequency attached by ClinVar (database versions not stated): ExAC 0.00001; gnomAD exomes 0.00001; gnomAD 0.00002 and 0.00003; TOPMed 0.00002; ESP Exome Variant Server 0.00008.

Submissions (2):

Labcorp Genetics (formerly Invitae), Labcorp
Classification: Pathogenic for Inflammatory bowel disease 28. Last evaluated: 2026-01-25. Review status: criteria provided, single submitter. Criteria: Invitae Variant Classification Sherloc (09022015). Collection method: clinical testing. Allele origin: germline.
Comment: This sequence change replaces arginine, which is basic and polar, with cysteine, which is neutral and slightly polar, at codon 262 of the IL10RA protein (p.Arg262Cys). This variant is present in population databases (rs149491038, gnomAD 0.002%). This missense change has been observed in individual(s) with very-early onset inflammatory bowel disease (PMID: 21519361, 24001973; internal data). In at least one individual the data is consistent with being in trans (on the opposite chromosome) from a pathogenic variant. It has also been observed to segregate with disease in related individuals. ClinVar contains an entry for this variant (Variation ID: 39430). Invitae Evidence Modeling of protein sequence and biophysical properties (such as structural, functional, and spatial information, amino acid conservation, physicochemical variation, residue mobility, and thermodynamic stability) has been performed for this missense variant. However, the output from this modeling did not meet the statistical confidence thresholds required to predict the impact of this variant on IL10RA protein function. For these reasons, this variant has been classified as Pathogenic.

OMIM
Classification: Pathogenic for INFLAMMATORY BOWEL DISEASE 28. Last evaluated: 2011-08-01. Review status: no assertion criteria provided. Collection method: literature only. Allele origin: germline. Not counted in ClinVar's aggregate classification.

Literature cited by the submitters: PubMed 21519361 (cited by Labcorp Genetics (formerly Invitae), Labcorp and OMIM); PubMed 24001973 (cited by Labcorp Genetics (formerly Invitae), Labcorp).